The following is an entry in ClinVar:

ClinVar aggregate classification (germline): Likely pathogenic. Review status: criteria provided, multiple submitters, no conflicts (2 of 4 stars). 3 submissions from 3 submitters: Likely pathogenic (3). Last evaluated 2022-07-11.

Conditions:
Heterotopia, periventricular, X-linked dominant (PVNH1). Also called: PERIVENTRICULAR NODULAR HETEROTOPIA 1; PERIVENTRICULAR NODULAR HETEROTOPIA 4; HETEROTOPIA, PERIVENTRICULAR, 1; X-linked periventricular heterotopia. Identifiers: Orphanet 2149, Orphanet 82004, MedGen C1848213, MONDO:0010233, OMIM 300049.
Melnick-Needles syndrome (MNS). Also called: Melnick-Needles Syndrome (FLNA-MNS); MELNICK-NEEDLES OSTEODYSPLASTY; OSTEODYSPLASTY OF MELNICK AND NEEDLES. Identifiers: Orphanet 2484, MedGen C0025237, MONDO:0010650, OMIM 309350.
Oto-palato-digital syndrome, type II (OPD2). Also called: Otopalatodigital Syndrome Type 2 (FLNA-OPD2); FACIOPALATOOSSEOUS SYNDROME; OPD II SYNDROME; Otopalatodigital Syndrome, Type II. Identifiers: Orphanet 669, Orphanet 90652, MedGen C1844696, MONDO:0010571, OMIM 304120.
Frontometaphyseal dysplasia (FMD1). Identifiers: Orphanet 1826, MedGen C0265293, MONDO:0015942.

Submissions (3):

Revvity Omics, Revvity
Classification: Likely pathogenic. Last evaluated: 2022-07-11. Review status: criteria provided, single submitter. Criteria: ACMG Guidelines, 2015. Collection method: clinical testing. Allele origin: germline.

Labcorp Genetics (formerly Invitae), Labcorp
Classification: Likely pathogenic for Oto-palato-digital syndrome, type II; Heterotopia, periventricular, X-linked dominant; Frontometaphyseal dysplasia; Melnick-Needles syndrome. Last evaluated: 2022-01-20. Review status: criteria provided, single submitter. Criteria: Invitae Variant Classification Sherloc (09022015). Collection method: clinical testing. Allele origin: germline.
Comment: In summary, the currently available evidence indicates that the variant is pathogenic, but additional data are needed to prove that conclusively. Therefore, this variant has been classified as Likely Pathogenic. Algorithms developed to predict the effect of sequence changes on RNA splicing suggest that this variant may disrupt the consensus splice site. Disruption of this splice site has been observed in individual(s) with periventricular heterotopia (PMID: 16684786). This variant is not present in population databases (gnomAD no frequency). This sequence change affects a donor splice site in intron 5 of the FLNA gene. It is expected to disrupt RNA splicing. Variants that disrupt the donor or acceptor splice site typically lead to a loss of protein function (PMID: 16199547), and loss-of-function variants in FLNA are known to be pathogenic (PMID: 16684786, 20730588, 26471271).

Juno Genomics, Hangzhou Juno Genomics, Inc
Classification: Likely pathogenic for Heterotopia, periventricular, X-linked dominant. Review status: criteria provided, single submitter. Criteria: ACMG Guidelines, 2015. Collection method: clinical testing. Allele origin: germline. Affected: yes.
Comment: Absent from controls (or at extremely low frequency if recessive) in Genome Aggregation Database, Exome Sequencing Project, 1000 Genomes Project, or Exome Aggregation Consortium.;Null variant in a gene where loss of function (LOF) is a known mechanism of disease.

Literature cited by the submitters: PubMed 16684786 (cited by Labcorp Genetics (formerly Invitae), Labcorp); PubMed 16199547 (cited by Labcorp Genetics (formerly Invitae), Labcorp); PubMed 20730588 (cited by Labcorp Genetics (formerly Invitae), Labcorp); PubMed 26471271 (cited by Labcorp Genetics (formerly Invitae), Labcorp).

NM_001110556.2(FLNA):c.868+1G>A

Gene: FLNA (filamin A; minus strand). Cytogenetic location: Xq28.
Variant type: single nucleotide variant.
Coding change: c.868+1G>A on transcript NM_001110556.2 (MANE Select); the canonical splice donor site of the intron after coding-DNA position 868, G replaced by A.
Molecular consequence: splice donor variant.
Genome position (GRCh38, 1-based): chrX:154,367,396, C>T on the plus strand (G>A on the coding strand, the complement: FLNA is on the minus strand). VCF-style: chrX-154367396-C-T. GRCh37 (hg19) VCF-style: chrX-153595764-C-T.
Other names: c.868+1G>A (NM_001456.4).
Identifiers: ClinVar variation 1966742 (VCV001966742.10), dbSNP rs2522763814, ClinGen allele CA415248251.
Genomic context (GRCh38, chrX:154,367,396, plus strand): 5'-GGACACTGTCTTATGGGGAAGACGTTGGCACACGGGTGCACCCCTGGTGGGGCTCCCTCA[C>T]CTGGCCCGTAGGCACGGGCTTTCTTCGGGTTCAGTTTGGGCCGCAAGGGAGCCCCTGGCT-3'